The following is an entry in ClinVar:

NM_004727.3(SLC24A1):c.90A>T (p.Gly30=)

Gene: SLC24A1 (solute carrier family 24 member 1; plus strand). Cytogenetic location: 15q22.31.
Variant type: single nucleotide variant.
Coding change: c.90A>T on transcript NM_004727.3 (MANE Select); coding-DNA position 90, A replaced by T.
Protein change: p.Gly30=; no amino-acid change (glycine 30 retained).
Molecular consequence: synonymous variant.
Genome position (GRCh38, 1-based): chr15:65,624,170, A>T. VCF-style: chr15-65624170-A-T. GRCh37 (hg19) VCF-style: chr15-65916508-A-T.
Other names: c.90A>T, p.Gly30= (NM_001301031.1, NM_001301032.1, NM_001301033.2).
Identifiers: ClinVar variation 1427609 (VCV001427609.5), dbSNP rs1342746223, ClinGen allele CA490904013.

ClinVar aggregate classification (germline): Uncertain significance (1 of 4 stars; one submission).

Allele frequency attached by ClinVar (database versions not stated): TOPMed below 0.00001.

Submission:

Labcorp Genetics (formerly Invitae), Labcorp
Classification: Uncertain significance. Last evaluated: 2021-08-26. Review status: criteria provided, single submitter. Criteria: Invitae Variant Classification Sherloc (09022015). Collection method: clinical testing. Allele origin: germline.
Comment: This sequence change affects codon 30 of the SLC24A1 mRNA. It is a 'silent' change, meaning that it does not change the encoded amino acid sequence of the SLC24A1 protein. This variant is not present in population databases (ExAC no frequency). This variant has not been reported in the literature in individuals affected with SLC24A1-related conditions. Algorithms developed to predict the effect of sequence changes on RNA splicing suggest that this variant may create or strengthen a splice site. In summary, the available evidence is currently insufficient to determine the role of this variant in disease. Therefore, it has been classified as a Variant of Uncertain Significance.